The following is an entry in ClinVar:

NM_032737.4(LMNB2):c.1589C>T (p.Thr530Met)

Gene: LMNB2 (lamin B2; minus strand). Cytogenetic location: 19p13.3.
Variant type: single nucleotide variant.
Coding change: c.1589C>T on transcript NM_032737.4 (MANE Select); coding-DNA position 1589, C replaced by T.
Protein change: p.Thr530Met; replaces threonine 530 with methionine.
Molecular consequence: missense variant.
Genome position (GRCh38, 1-based): chr19:2,432,417, G>A on the plus strand (C>T on the coding strand, the complement: LMNB2 is on the minus strand). VCF-style: chr19-2432417-G-A. GRCh37 (hg19) VCF-style: chr19-2432415-G-A.
Other names: short protein forms T530M.
Identifiers: ClinVar variation 2927678 (VCV002927678.3), dbSNP rs771054060, ClinGen allele CA9067431.

ClinVar aggregate classification (germline): Uncertain significance (1 of 4 stars; one submission).

Conditions:
Progressive myoclonic epilepsy type 9. Identifiers: Orphanet 457265, MedGen C4225289, MONDO:0014685, OMIM 616540.
Lipodystrophy, partial, acquired, susceptibility to (APLD). Also called: APLD, SUSCEPTIBILITY TO. Identifiers: MedGen C3887501, MONDO:0100476, OMIM 608709.

Allele frequency attached by ClinVar (database versions not stated): gnomAD exomes 0.00001; TOPMed 0.00001; ExAC 0.00002.
gnomAD v4.1: 13 of 1,412,324 alleles (0.00092%); highest among the groups gnomAD compares: Middle Eastern, 0.02%; no homozygotes.

Submission:

Labcorp Genetics (formerly Invitae), Labcorp
Classification: Uncertain significance for Progressive myoclonic epilepsy type 9; Lipodystrophy, partial, acquired, susceptibility to. Last evaluated: 2024-12-17. Review status: criteria provided, single submitter. Criteria: Invitae Variant Classification Sherloc (09022015). Collection method: clinical testing. Allele origin: germline.
Comment: This sequence change replaces threonine, which is neutral and polar, with methionine, which is neutral and non-polar, at codon 530 of the LMNB2 protein (p.Thr530Met). This variant is present in population databases (rs771054060, gnomAD 0.003%). This variant has not been reported in the literature in individuals affected with LMNB2-related conditions. ClinVar contains an entry for this variant (Variation ID: 2927678). An algorithm developed to predict the effect of missense changes on protein structure and function (PolyPhen-2) suggests that this variant is likely to be disruptive. In summary, the available evidence is currently insufficient to determine the role of this variant in disease. Therefore, it has been classified as a Variant of Uncertain Significance.